The following is an entry in ClinVar:

NM_000343.4(SLC5A1):c.1128T>C (p.Asn376=)

Gene: SLC5A1 (solute carrier family 5 member 1; plus strand). Cytogenetic location: 22q12.3.
Variant type: single nucleotide variant.
Coding change: c.1128T>C on transcript NM_000343.4 (MANE Select); coding-DNA position 1128, T replaced by C.
Protein change: p.Asn376=; no amino-acid change (asparagine 376 retained).
Molecular consequence: synonymous variant.
Genome position (GRCh38, 1-based): chr22:32,086,326, T>C. VCF-style: chr22-32086326-T-C. GRCh37 (hg19) VCF-style: chr22-32482313-T-C.
Other names: c.747T>C, p.Asn249= (NM_001256314.2).
Identifiers: ClinVar variation 902359 (VCV000902359.6), dbSNP rs201834537, ClinGen allele CA10198151.
Genomic context (GRCh38, chr22:32,086,326, plus strand): 5'-TACCAAGGTTGGCTGTACCAACATCGCCTATCCAACCTTAGTGGTGGAGCTCATGCCCAA[T>C]GGTGAGATTCTTTCTTGGGAGGTTGGTAGAGTCTTTCTTGGGAGGCTGATTGGGTTTAGG-3'
Protein context (NP_000334.1, residues 366-386): YPTLVVELMP[Asn376=]GLRGLMLSVM

ClinVar aggregate classification (germline): Conflicting classifications of pathogenicity. Review status: criteria provided, conflicting classifications (1 of 4 stars). 3 submissions from 3 submitters: Uncertain significance (2); Likely benign (1). Last evaluated 2024-04-10.

Conditions:
Congenital glucose-galactose malabsorption (GGM). Also called: DIARRHEA 16; MONOSACCHARIDE MALABSORPTION. Identifiers: Orphanet 35710, MedGen C0268186, MONDO:0011731, OMIM 606824.

Allele frequency attached by ClinVar (database versions not stated): ExAC 0.00001; gnomAD exomes 0.00001 and 0.00006; gnomAD 0.00002; TOPMed 0.00002; ESP Exome Variant Server 0.00008.
gnomAD v4.1: 84 of 1,603,228 alleles (0.0052%); highest among the groups gnomAD compares: Non-Finnish European, 0.007%; no homozygotes.

Submissions (3):

Fulgent Genetics
Classification: Likely benign for Congenital glucose-galactose malabsorption. Last evaluated: 2024-04-10. Review status: criteria provided, single submitter. Criteria: ACMG Guidelines, 2015. Collection method: clinical testing. Allele origin: germline.

Labcorp Genetics (formerly Invitae), Labcorp
Classification: Uncertain significance for Congenital glucose-galactose malabsorption. Last evaluated: 2022-02-25. Review status: criteria provided, single submitter. Criteria: Invitae Variant Classification Sherloc (09022015). Collection method: clinical testing. Allele origin: germline.
Comment: This sequence change affects codon 376 of the SLC5A1 mRNA. It is a 'silent' change, meaning that it does not change the encoded amino acid sequence of the SLC5A1 protein. It affects a nucleotide within the consensus splice site. This variant is present in population databases (rs201834537, gnomAD 0.004%). This variant has not been reported in the literature in individuals affected with SLC5A1-related conditions. ClinVar contains an entry for this variant (Variation ID: 902359). Algorithms developed to predict the effect of sequence changes on RNA splicing suggest that this variant is not likely to affect RNA splicing. In summary, the available evidence is currently insufficient to determine the role of this variant in disease. Therefore, it has been classified as a Variant of Uncertain Significance.

Illumina Laboratory Services, Illumina
Classification: Uncertain significance for Congenital glucose-galactose malabsorption. Last evaluated: 2018-01-12. Review status: criteria provided, single submitter. Criteria: ICSL Variant Classification Criteria 13 December 2019. Collection method: clinical testing. Allele origin: germline.